The following is an entry in ClinVar:

NM_006231.4(POLE):c.4117G>A (p.Ala1373Thr)

Gene: POLE (DNA polymerase epsilon, catalytic subunit; minus strand). Cytogenetic location: 12q24.33.
Variant type: single nucleotide variant.
Coding change: c.4117G>A on transcript NM_006231.4 (MANE Select); coding-DNA position 4117, G replaced by A.
Protein change: p.Ala1373Thr; replaces alanine 1373 with threonine.
Molecular consequence: missense variant.
Genome position (GRCh38, 1-based): chr12:132,648,961, C>T on the plus strand (G>A on the coding strand, the complement: POLE is on the minus strand). VCF-style: chr12-132648961-C-T. GRCh37 (hg19) VCF-style: chr12-133225547-C-T.
Other names: short protein forms A1373T.
Identifiers: ClinVar variation 936464 (VCV000936464.11), dbSNP rs778804868, ClinGen allele CA6892995.

ClinVar aggregate classification (germline): Uncertain significance. Review status: criteria provided, multiple submitters, no conflicts (2 of 4 stars). 3 submissions from 3 submitters: Uncertain significance (3). Last evaluated 2025-06-05.

Conditions:
Hereditary cancer-predisposing syndrome. Also called: Tumor predisposition; Hereditary neoplastic syndrome; Hereditary Cancer Syndrome; Neoplastic Syndromes, Hereditary. Identifiers: Orphanet 140162, MedGen C0027672, MeSH D009386, MONDO:0015356.

Allele frequency attached by ClinVar (database versions not stated): gnomAD exomes below 0.00001; ExAC 0.00001.
gnomAD v4.1: 5 of 1,613,940 alleles (0.00031%); highest among the groups gnomAD compares: East Asian, 0.0022%; no homozygotes.

Submissions (3):

Labcorp Genetics (formerly Invitae), Labcorp
Classification: Uncertain significance. Last evaluated: 2025-06-05. Review status: criteria provided, single submitter. Criteria: Invitae Variant Classification Sherloc (09022015). Collection method: clinical testing. Allele origin: germline.
Comment: This sequence change replaces alanine, which is neutral and non-polar, with threonine, which is neutral and polar, at codon 1373 of the POLE protein (p.Ala1373Thr). The frequency data for this variant in the population databases is considered unreliable, as metrics indicate poor data quality at this position in the gnomAD database. This variant has not been reported in the literature in individuals affected with POLE-related conditions. ClinVar contains an entry for this variant (Variation ID: 936464). Invitae Evidence Modeling of protein sequence and biophysical properties (such as structural, functional, and spatial information, amino acid conservation, physicochemical variation, residue mobility, and thermodynamic stability) indicates that this missense variant is not expected to disrupt POLE protein function with a negative predictive value of 80%. In summary, the available evidence is currently insufficient to determine the role of this variant in disease. Therefore, it has been classified as a Variant of Uncertain Significance.

Ambry Genetics
Classification: Uncertain significance for Hereditary cancer-predisposing syndrome. Last evaluated: 2023-12-04. Review status: criteria provided, single submitter. Criteria: Ambry Variant Classification Scheme 2023. Collection method: clinical testing. Allele origin: germline.
Comment: The p.A1373T variant (also known as c.4117G>A), located in coding exon 32 of the POLE gene, results from a G to A substitution at nucleotide position 4117. The alanine at codon 1373 is replaced by threonine, an amino acid with similar properties. This amino acid position is conserved. In addition, this alteration is predicted to be tolerated by in silico analysis. Since supporting evidence is limited at this time, the clinical significance of this alteration remains unclear.

Institute for Clinical Genetics, University Hospital TU Dresden, University Hospital TU Dresden
Classification: Uncertain significance. Last evaluated: 2021-11-03. Review status: criteria provided, single submitter. Criteria: ACMG Guidelines, 2015. Collection method: clinical testing. Allele origin: germline.